The following is an entry in ClinVar:

NM_001103.4(ACTN2):c.*396G>A

Gene: ACTN2 (actinin alpha 2; plus strand). Cytogenetic location: 1q43.
Variant type: single nucleotide variant.
Coding change: c.*396G>A on transcript NM_001103.4 (MANE Select); 396 bases downstream of the stop codon, G replaced by A.
Molecular consequence: 3 prime UTR variant.
Genome position (GRCh38, 1-based): chr1:236,763,015, G>A. VCF-style: chr1-236763015-G-A. GRCh37 (hg19) VCF-style: chr1-236926315-G-A.
Other names: c.*396G>A (NM_001278343.2, NM_001278344.2).
Identifiers: ClinVar variation 296515 (VCV000296515.29), dbSNP rs181994486, ClinGen allele CA10610469.

ClinVar aggregate classification (germline): Benign (1 of 4 stars; one submission).

Allele frequency attached by ClinVar (database versions not stated): 1000 Genomes Project 0.00100; 1000 Genomes Project 30x 0.00109; TOPMed 0.00207; gnomAD 0.00359.
gnomAD v4.1: 1,245 of 311,196 alleles (0.4%); highest among the groups gnomAD compares: Non-Finnish European, 0.53%; 7 homozygotes.

Submission:

CeGaT Center for Human Genetics Tuebingen
Classification: Benign. Last evaluated: 2022-07-01. Review status: criteria provided, single submitter. Criteria: CeGaT Center For Human Genetics Tuebingen Variant Classification Criteria Version 2. Collection method: clinical testing. Allele origin: germline. Affected: yes. Observed: 1 variant allele.
Comment: ACTN2: BS1, BS2